The following is an entry in ClinVar:

NM_004247.4(EFTUD2):c.425A>G (p.Lys142Arg)

Gene: EFTUD2 (elongation factor Tu GTP binding domain containing 2; minus strand). Cytogenetic location: 17q21.31.
Variant type: single nucleotide variant.
Coding change: c.425A>G on transcript NM_004247.4 (MANE Select); coding-DNA position 425, A replaced by G.
Protein change: p.Lys142Arg; replaces lysine 142 with arginine.
Molecular consequence: missense variant.
Genome position (GRCh38, 1-based): chr17:44,883,650, T>C on the plus strand (A>G on the coding strand, the complement: EFTUD2 is on the minus strand). VCF-style: chr17-44883650-T-C. GRCh37 (hg19) VCF-style: chr17-42961018-T-C.
Other names: c.320A>G, p.Lys107Arg (NM_001142605.2); c.425A>G, p.Lys142Arg (NM_001258353.2, NM_001258354.2); short protein forms K107R, K142R.
Identifiers: ClinVar variation 4769337 (VCV004769337.1).
Genomic context (GRCh38, chr17:44,883,650, plus strand): 5'-AAACATGAGCAGGTACAAAAGAGAAATCCTGTTCCAAGTAGCTGAAAGTTCCGTCTTACC[T>C]TGCCATGGTGGAGATGTCCACAAAGGGTCACATTTCTGATGAGCTCTGAGTTATCCATCA-3'
Protein context (NP_004238.3, residues 132-152): VTLCGHLHHG[Lys142Arg]TCFVDCLIEQ

ClinVar aggregate classification (germline): Uncertain significance (1 of 4 stars; one submission).

gnomAD v4.1: 1 of 1,613,958 alleles (0.000062%); highest among the groups gnomAD compares: Admixed American, 0.0017%; no homozygotes.

Submission:

Labcorp Genetics (formerly Invitae), Labcorp
Classification: Uncertain significance. Last evaluated: 2025-10-11. Review status: criteria provided, single submitter. Criteria: Invitae Variant Classification Sherloc (09022015). Collection method: clinical testing. Allele origin: germline.
Comment: This sequence change replaces lysine, which is basic and polar, with arginine, which is basic and polar, at codon 142 of the EFTUD2 protein (p.Lys142Arg). This variant is present in population databases (no rsID available, gnomAD 0.003%). This variant has not been reported in the literature in individuals affected with EFTUD2-related conditions. An algorithm developed to predict the effect of missense changes on protein structure and function (PolyPhen-2) suggests that this variant is likely to be disruptive. In summary, the available evidence is currently insufficient to determine the role of this variant in disease. Therefore, it has been classified as a Variant of Uncertain Significance.